The following is an entry in ClinVar:

NM_016592.5(GNAS):c.348_353dup (p.Glu118_Ile119insSerGlu)

Genes: GNAS (GNAS complex locus; plus strand), GNAS-AS1 (GNAS antisense RNA 1; minus strand). Cytogenetic location: 20q13.32.
Variant type: Duplication.
Coding change: c.348_353dup on transcript NM_016592.5 (MANE Plus Clinical); coding-DNA positions 348 to 353, 6 bases duplicated (GTCCGA; older notation c.348_353dupGTCCGA).
Protein change: p.Glu118_Ile119insSerGlu.
Molecular consequence: inframe insertion. On other transcripts: 5 prime UTR variant (1).
Genome position (GRCh38, 1-based): chr20:58,840,454-58,840,459, GTCCGA duplicated; duplicating any 6 consecutive bases within chr20:58,840,450-58,840,459 gives the same sequence; the c. name uses the placement nearest the transcript's 3' end. VCF-style (leftmost placement, unchanged base first): chr20-58840449-A-ACCGAGT. GRCh37 (hg19) VCF-style: chr20-57415504-A-ACCGAGT.
Other names: c.-390_-385dup (NM_001410912.1).
Identifiers: ClinVar variation 4974589 (VCV004974589.1).

ClinVar aggregate classification (germline): Uncertain significance (1 of 4 stars; one submission).

Conditions:
Pseudopseudohypoparathyroidism (PPHP). Also called: ALBRIGHT HEREDITARY OSTEODYSTROPHY WITHOUT MULTIPLE HORMONE RESISTANCE; Pseudopseudohypoparathyroidism (PPHP). Identifiers: Orphanet 79445, MedGen C0033835, MONDO:0012912, OMIM 612463.

Submission:

Clinical Genomics Laboratory, Washington University in St. Louis
Classification: Uncertain significance for Pseudopseudohypoparathyroidism. Last evaluated: 2025-10-07. Review status: criteria provided, single submitter. Criteria: ACMG Guidelines, 2015. Collection method: clinical testing. Allele origin: germline.
Comment: A GNAS c. 348_353dup (p.Ser117_Glu118dup) variant was identified at a near heterozygous allelic fraction of 47.9%, a frequency which may be consistent with it being of germline origin. This variant, to our knowledge, has not been reported in the medical literature. It is observed on 49/1,613,310 alleles in the general population (gnomAD v4.1.0). Due to limited information, and based on ACMG/AMP guidelines for variant interpretation (Richards S et al., PMID: 25741868), the clinical significance of this variant is uncertain at this time.